The following is an entry in ClinVar:

ClinVar aggregate classification (germline): Uncertain significance. Review status: criteria provided, multiple submitters, no conflicts (2 of 4 stars). 2 submissions from 2 submitters: Uncertain significance (2). Last evaluated 2026-04-01.

Conditions:
Inborn genetic diseases. Identifiers: MedGen C0950123, MeSH D030342.

gnomAD v4.1: 15 of 1,613,956 alleles (0.00093%); highest among the groups gnomAD compares: African/African-American, 0.013%; no homozygotes.

Submissions (2):

CeGaT Center for Human Genetics Tuebingen
Classification: Uncertain significance. Last evaluated: 2026-04-01. Review status: criteria provided, single submitter. Criteria: CeGaT Center For Human Genetics Tuebingen Variant Classification Criteria Version 2. Collection method: clinical testing. Allele origin: germline. Affected: yes. Observed: 1 variant allele.
Comment: FLG: PM2, BP4

Ambry Genetics
Classification: Uncertain significance for Inborn genetic diseases. Last evaluated: 2024-10-25. Review status: criteria provided, single submitter. Criteria: Ambry Variant Classification Scheme 2023. Collection method: clinical testing. Allele origin: germline.

NM_002016.2(FLG):c.1315G>C (p.Gly439Arg)

Genes: CCDST (cervical cancer associated DHX9 suppressive transcript; plus strand), FLG (filaggrin; minus strand). Cytogenetic location: 1q21.3.
Variant type: single nucleotide variant.
Coding change: c.1315G>C on transcript NM_002016.2 (MANE Select); coding-DNA position 1315, G replaced by C.
Protein change: p.Gly439Arg; replaces glycine 439 with arginine.
Molecular consequence: missense variant. On other transcripts: non-coding transcript variant (1).
Genome position (GRCh38, 1-based): chr1:152,313,571, C>G on the plus strand (G>C on the coding strand, the complement: FLG is on the minus strand). VCF-style: chr1-152313571-C-G. GRCh37 (hg19) VCF-style: chr1-152286047-C-G.
Other names: short protein forms G439R.
Identifiers: ClinVar variation 3515795 (VCV003515795.3).